The following is an entry in ClinVar:

ClinVar aggregate classification (germline): Uncertain significance. Review status: criteria provided, multiple submitters, no conflicts (2 of 4 stars). 3 submissions from 3 submitters: Uncertain significance (3). Last evaluated 2025-06-12.

Conditions:
Autosomal dominant nonsyndromic hearing loss 17. Also called: Deafness, autosomal dominant 17; Autosomal dominant nonsyndromic deafness 17. Identifiers: Orphanet 90635, MedGen C1863659, MONDO:0011350, OMIM 603622.
Macrothrombocytopenia and granulocyte inclusions with or without nephritis or sensorineural hearing loss (MATINS). Also called: BLEEDING DISORDER, PLATELET-TYPE, 6; MAY-HEGGLIN ANOMALY; SEBASTIAN PLATELET SYNDROME; MACROTHROMBOCYTOPENIA WITH DISPERSED LEUKOCYTIC INCLUSIONS; MACROTHROMBOCYTOPENIA, NEPHRITIS, AND DEAFNESS; MACROTHROMBOCYTOPENIA, NEPHRITIS, DEAFNESS, AND LEUKOCYTE INCLUSIONS. Identifiers: Orphanet 182050, MedGen C5200934, MONDO:0015912, OMIM 155100.
Inborn genetic diseases. Identifiers: MedGen C0950123, MeSH D030342.

Allele frequency attached by ClinVar (database versions not stated): gnomAD exomes 0.00001; gnomAD 0.00002; TOPMed 0.00006.
gnomAD v4.1: 9 of 1,614,044 alleles (0.00056%); highest among the groups gnomAD compares: Admixed American, 0.0067%; no homozygotes.

Submissions (3):

Labcorp Genetics (formerly Invitae), Labcorp
Classification: Uncertain significance. Last evaluated: 2025-06-12. Review status: criteria provided, single submitter. Criteria: Invitae Variant Classification Sherloc (09022015). Collection method: clinical testing. Allele origin: germline.
Comment: This sequence change replaces isoleucine, which is neutral and non-polar, with valine, which is neutral and non-polar, at codon 596 of the MYH9 protein (p.Ile596Val). The frequency data for this variant in the population databases is considered unreliable, as metrics indicate poor data quality at this position in the gnomAD database. This variant has not been reported in the literature in individuals affected with MYH9-related conditions. ClinVar contains an entry for this variant (Variation ID: 1906964). Invitae Evidence Modeling of protein sequence and biophysical properties (such as structural, functional, and spatial information, amino acid conservation, physicochemical variation, residue mobility, and thermodynamic stability) indicates that this missense variant is not expected to disrupt MYH9 protein function with a negative predictive value of 95%. In summary, the available evidence is currently insufficient to determine the role of this variant in disease. Therefore, it has been classified as a Variant of Uncertain Significance.

Fulgent Genetics
Classification: Uncertain significance for Macrothrombocytopenia and granulocyte inclusions with or without nephritis or sensorineural hearing loss; Autosomal dominant nonsyndromic hearing loss 17. Last evaluated: 2024-05-20. Review status: criteria provided, single submitter. Criteria: ACMG Guidelines, 2015. Collection method: clinical testing. Allele origin: germline.

Ambry Genetics
Classification: Uncertain significance for Inborn genetic diseases. Last evaluated: 2024-01-17. Review status: criteria provided, single submitter. Criteria: Ambry Variant Classification Scheme 2023. Collection method: clinical testing. Allele origin: germline.

NM_002473.6(MYH9):c.1786A>G (p.Ile596Val)

Gene: MYH9 (myosin heavy chain 9; minus strand). Cytogenetic location: 22q12.3.
Variant type: single nucleotide variant.
Coding change: c.1786A>G on transcript NM_002473.6 (MANE Select); coding-DNA position 1786, A replaced by G.
Protein change: p.Ile596Val; replaces isoleucine 596 with valine.
Molecular consequence: missense variant.
Genome position (GRCh38, 1-based): chr22:36,309,339, T>C on the plus strand (A>G on the coding strand, the complement: MYH9 is on the minus strand). VCF-style: chr22-36309339-T-C. GRCh37 (hg19) VCF-style: chr22-36705384-T-C.
Other names: c.1786A>G (NM_002473.4); short protein forms I596V.
Identifiers: ClinVar variation 1906964 (VCV001906964.7), dbSNP rs1218251906, ClinGen allele CA411398924.